The following is an entry in ClinVar:

ClinVar aggregate classification (germline): Likely benign (1 of 4 stars; one submission).

Submission:

CeGaT Center for Human Genetics Tuebingen
Classification: Likely benign. Last evaluated: 2024-10-01. Review status: criteria provided, single submitter. Criteria: CeGaT Center For Human Genetics Tuebingen Variant Classification Criteria Version 2. Collection method: clinical testing. Allele origin: germline. Affected: yes. Observed: 1 variant allele.
Comment: MUC4: BP4, BP7

NM_018406.7(MUC4):c.10116T>A (p.Gly3372=)

Gene: MUC4 (mucin 4, cell surface associated). Cytogenetic location: 3q29.
Variant type: single nucleotide variant.
Coding change: c.10116T>A on transcript NM_018406.7 (MANE Select); coding-DNA position 10116, T replaced by A.
Protein change: p.Gly3372=; no amino-acid change (glycine 3372 retained).
Molecular consequence: synonymous variant. On other transcripts: intron variant (2).
Genome position (GRCh38, 1-based): chr3:195,781,464, A>T on the plus strand (T>A on the coding strand, the complement: MUC4 is on the minus strand). VCF-style: chr3-195781464-A-T. GRCh37 (hg19) VCF-style: chr3-195508335-A-T.
Other names: c.83-7159T>A (NM_138297.5); c.83-3009T>A (NM_004532.6).
Identifiers: ClinVar variation 3389520 (VCV003389520.14).
Genomic context (GRCh38, chr3:195,781,464, plus strand): 5'-AGGGGTGGCCTGACCTGTGGATGCCGAGGAAATGTCGGTGACAGGAAGACGGGTGGTGTC[A>T]CCTGTGGAAGCTGAGGAAAGGCCGGTGACAGGAAGAGGGGTGGCGTGACCTGTGGATACT-3'
Protein context (NP_060876.5, residues 3362-3382): PVTGLSSAST[Gly3372=]DTTRLPVTDI